The following is an entry in ClinVar:

ClinVar aggregate classification (germline): Uncertain significance. Review status: criteria provided, multiple submitters, no conflicts (2 of 4 stars). 2 submissions from 2 submitters: Uncertain significance (2). Last evaluated 2025-04-22.

Conditions:
CUBN-related disorder. Also called: CUBN-related condition.
Imerslund-Grasbeck syndrome. Also called: Imerslund-Gräsbeck syndrome; ENTEROCYTE COBALAMIN MALABSORPTION; ENTEROCYTE INTRINSIC FACTOR RECEPTOR, DEFECT OF; PERNICIOUS ANEMIA, JUVENILE, DUE TO SELECTIVE INTESTINAL MALABSORPTION OF VITAMIN B12, WITH PROTEINURIA; Megaloblastic anemia due to inborn errors of metabolism. Identifiers: Orphanet 35858, MedGen C4551825, MONDO:0009853.

Allele frequency attached by ClinVar (database versions not stated): TOPMed 0.00001.
gnomAD v4.1: 4 of 1,613,076 alleles (0.00025%); highest among the groups gnomAD compares: Admixed American, 0.0067%; no homozygotes.

Submissions (2):

PreventionGenetics, part of Exact Sciences
Classification: Uncertain significance for CUBN-related condition. Last evaluated: 2025-04-22. Review status: criteria provided, single submitter. Criteria: ACMG Guidelines, 2015. Collection method: clinical testing. Allele origin: germline.
Comment: The CUBN c.302G>A variant is predicted to result in the amino acid substitution p.Gly101Asp. To our knowledge, this variant has not been reported in the literature. This variant is reported in 0.012% of alleles in individuals of Latino descent in gnomAD. At this time, the clinical significance of this variant is uncertain due to the absence of conclusive functional and genetic evidence.

Labcorp Genetics (formerly Invitae), Labcorp
Classification: Uncertain significance for Imerslund-Grasbeck syndrome. Last evaluated: 2022-02-22. Review status: criteria provided, single submitter. Criteria: Invitae Variant Classification Sherloc (09022015). Collection method: clinical testing. Allele origin: germline.
Comment: This sequence change replaces glycine, which is neutral and non-polar, with aspartic acid, which is acidic and polar, at codon 101 of the CUBN protein (p.Gly101Asp). This variant is present in population databases (no rsID available, gnomAD 0.01%). This variant has not been reported in the literature in individuals affected with CUBN-related conditions. Algorithms developed to predict the effect of missense changes on protein structure and function output the following: SIFT: "Tolerated"; PolyPhen-2: "Benign"; Align-GVGD: "Class C0". The aspartic acid amino acid residue is found in multiple mammalian species, which suggests that this missense change does not adversely affect protein function. In summary, the available evidence is currently insufficient to determine the role of this variant in disease. Therefore, it has been classified as a Variant of Uncertain Significance.

NM_001081.4(CUBN):c.302G>A (p.Gly101Asp)

Gene: CUBN (cubilin; minus strand). Cytogenetic location: 10p13.
Variant type: single nucleotide variant.
Coding change: c.302G>A on transcript NM_001081.4 (MANE Select); coding-DNA position 302, G replaced by A.
Protein change: p.Gly101Asp; replaces glycine 101 with aspartic acid.
Molecular consequence: missense variant.
Genome position (GRCh38, 1-based): chr10:17,127,875, C>T on the plus strand (G>A on the coding strand, the complement: CUBN is on the minus strand). VCF-style: chr10-17127875-C-T. GRCh37 (hg19) VCF-style: chr10-17169874-C-T.
Other names: short protein forms G101D.
Identifiers: ClinVar variation 2156162 (VCV002156162.5), dbSNP rs1410564953, ClinGen allele CA376169469.